The following is an entry in ClinVar:

NM_016492.5(RANGRF):c.510G>A (p.Gln170=)

Genes: RANGRF (RAN guanine nucleotide release factor; plus strand), SLC25A35 (solute carrier family 25 member 35; minus strand). Cytogenetic location: 17p13.1.
Variant type: single nucleotide variant.
Coding change: c.510G>A on transcript NM_016492.5 (MANE Select); coding-DNA position 510, G replaced by A.
Protein change: p.Gln170=; no amino-acid change (glutamine 170 retained).
Molecular consequence: synonymous variant. On other transcripts: non-coding transcript variant (2), 3 prime UTR variant (3).
Genome position (GRCh38, 1-based): chr17:8,289,885, G>A. VCF-style: chr17-8289885-G-A. GRCh37 (hg19) VCF-style: chr17-8193203-G-A.
Other names: p.Q170Q:CAG>CAA; c.*293G>A (NM_001177801.2); c.*324G>A (NM_001177802.2); c.*67G>A (NM_001330127.2); c.829C>T, p.Leu277= (NM_001320871.2, NM_001320872.2, NM_201520.3).
Identifiers: ClinVar variation 138889 (VCV000138889.19), dbSNP rs35420920, ClinGen allele CA293065.
Genomic context (GRCh38, chr17:8,289,885, plus strand): 5'-GTCATCTCTTGGCCCCGAAAATCTGTCACCTGCACCCTGGAGCCTGGGTGACTTTGAACA[G>A]CTGGTGACCAGTCTGACCCTTCACGATCCTAACATCTTTGGTCCCCAGTAAAGGCGCTGA-3'
Protein context (NP_057576.2, residues 160-180): PAPWSLGDFE[Gln170=]LVTSLTLHDP

ClinVar aggregate classification (germline): Benign. Review status: criteria provided, multiple submitters, no conflicts (2 of 4 stars). 6 submissions from 6 submitters: Benign (4). 2 of the submissions do not count toward it. Last evaluated 2026-02-02.

Conditions:
Cardiac arrhythmia. Also called: Arrhythmia; Cardiac rhythm disease. Identifiers: MedGen C0003811, MONDO:0007263, HP:0011675.

Allele frequency attached by ClinVar (database versions not stated): 1000 Genomes Project 0.00120; TOPMed 0.00127; gnomAD 0.00234 and 0.00226; 1000 Genomes Project 30x 0.00141; ESP Exome Variant Server 0.00177; ExAC 0.00241; gnomAD exomes 0.00225 and 0.00218.
gnomAD v4.1: 3,592 of 1,614,180 alleles (0.22%); highest among the groups gnomAD compares: Non-Finnish European, 0.26%; 10 homozygotes.

Submissions (6):

Labcorp Genetics (formerly Invitae), Labcorp
Classification: Benign for Cardiac arrhythmia. Last evaluated: 2026-02-02. Review status: criteria provided, single submitter. Criteria: Invitae Variant Classification Sherloc (09022015). Collection method: clinical testing. Allele origin: germline.

Women's Health and Genetics/Laboratory Corporation of America, LabCorp
Classification: Benign. Last evaluated: 2024-04-14. Review status: criteria provided, single submitter. Criteria: LabCorp Variant Classification Summary - May 2015. Collection method: clinical testing. Allele origin: germline.

GeneDx
Classification: Benign. Last evaluated: 2014-06-03. Review status: criteria provided, single submitter. Criteria: GeneDx Variant Classification (06012015). Collection method: clinical testing. Allele origin: germline. Affected: yes.
Comment: This variant is considered likely benign or benign based on one or more of the following criteria: it is a conservative change, it occurs at a poorly conserved position in the protein, it is predicted to be benign by multiple in silico algorithms, and/or has population frequency not consistent with disease.

Breakthrough Genomics
Classification: Benign. Review status: criteria provided, single submitter. Criteria: ACMG Guidelines, 2015. Collection method: not provided. Allele origin: germline. Inheritance: Unknown mechanism. Affected: yes.

Clinical Genetics, Academic Medical Center
Classification: Benign. Review status: no assertion criteria provided. Collection method: clinical testing. Allele origin: germline. Affected: yes. Study: VKGL Data-share Consensus. Not counted in ClinVar's aggregate classification.

Joint Genome Diagnostic Labs from Nijmegen and Maastricht, Radboudumc and MUMC+
Classification: Benign. Review status: no assertion criteria provided. Collection method: clinical testing. Allele origin: germline. Affected: yes. Study: VKGL Data-share Consensus. Not counted in ClinVar's aggregate classification.